The following is an entry in ClinVar:

NM_001903.5(CTNNA1):c.1526A>T (p.Asp509Val)

Gene: CTNNA1 (catenin alpha 1; plus strand). Cytogenetic location: 5q31.2.
Variant type: single nucleotide variant.
Coding change: c.1526A>T on transcript NM_001903.5 (MANE Select); coding-DNA position 1526, A replaced by T.
Protein change: p.Asp509Val; replaces aspartic acid 509 with valine.
Molecular consequence: missense variant.
Genome position (GRCh38, 1-based): chr5:138,917,878, A>T. VCF-style: chr5-138917878-A-T. GRCh37 (hg19) VCF-style: chr5-138253567-A-T.
Other names: c.1526A>T, p.Asp509Val (NM_001290307.3, NM_001323982.2, NM_001323983.1 and 2 more transcripts); c.1217A>T, p.Asp406Val (NM_001290309.3); c.1157A>T, p.Asp386Val (NM_001290310.3); c.416A>T, p.Asp139Val (NM_001290312.1, NM_001323987.1, NM_001323988.1 and 17 more transcripts); c.1433A>T, p.Asp478Val (NM_001323986.2); c.77A>T, p.Asp26Val (NM_001324006.1, NM_001324007.1, NM_001324008.1 and 2 more transcripts); c.323A>T, p.Asp108Val (NM_001324011.1); c.173A>T, p.Asp58Val (NM_001324012.1, NM_001324013.1); short protein forms D139V, D58V, D108V, D406V, D26V, D478V, D509V, D386V.
Identifiers: ClinVar variation 1521616 (VCV001521616.8), dbSNP rs2150234827, ClinGen allele CA361137385.

ClinVar aggregate classification (germline): Uncertain significance (1 of 4 stars; one submission).

Submission:

Labcorp Genetics (formerly Invitae), Labcorp
Classification: Uncertain significance. Last evaluated: 2021-02-04. Review status: criteria provided, single submitter. Criteria: Invitae Variant Classification Sherloc (09022015). Collection method: clinical testing. Allele origin: germline.
Comment: In summary, the available evidence is currently insufficient to determine the role of this variant in disease. Therefore, it has been classified as a Variant of Uncertain Significance. This sequence change replaces aspartic acid with valine at codon 509 of the CTNNA1 protein (p.Asp509Val). The aspartic acid residue is highly conserved and there is a large physicochemical difference between aspartic acid and valine. This variant is not present in population databases (ExAC no frequency). This variant has not been reported in the literature in individuals with CTNNA1-related conditions. Algorithms developed to predict the effect of missense changes on protein structure and function are either unavailable or do not agree on the potential impact of this missense change (SIFT: "Deleterious"; PolyPhen-2: "Benign"; Align-GVGD: "Class C15").